The following is an entry in ClinVar:

NM_006231.4(POLE):c.1106+1G>A

Gene: POLE (DNA polymerase epsilon, catalytic subunit; minus strand). Cytogenetic location: 12q24.33.
Variant type: single nucleotide variant.
Coding change: c.1106+1G>A on transcript NM_006231.4 (MANE Select); the canonical splice donor site of the intron after coding-DNA position 1106, G replaced by A.
Molecular consequence: splice donor variant.
Genome position (GRCh38, 1-based): chr12:132,675,734, C>T on the plus strand (G>A on the coding strand, the complement: POLE is on the minus strand). VCF-style: chr12-132675734-C-T. GRCh37 (hg19) VCF-style: chr12-133252320-C-T.
Identifiers: ClinVar variation 1351749 (VCV001351749.6), dbSNP rs2136010908, ClinGen allele CA387361307.
Genomic context (GRCh38, chr12:132,675,734, plus strand): 5'-CCACGCAACGCCCTCCCTCTCAAATGCTGCCCAGTTACTCATAGAGAAGACACAGACTCA[C>T]CAGTCAAAAAAGTCCCCGTTGTAGGTGACCATGATGGTGGGTTTGGTCTCCTGGACGTGT-3'

ClinVar aggregate classification (germline): Likely pathogenic (1 of 4 stars; one submission).

Submission:

Labcorp Genetics (formerly Invitae), Labcorp
Classification: Likely pathogenic. Last evaluated: 2022-05-12. Review status: criteria provided, single submitter. Criteria: Invitae Variant Classification Sherloc (09022015). Collection method: clinical testing. Allele origin: germline.
Comment: In summary, the currently available evidence indicates that the variant is pathogenic, but additional data are needed to prove that conclusively. Therefore, this variant has been classified as Likely Pathogenic. Algorithms developed to predict the effect of sequence changes on RNA splicing suggest that this variant may disrupt the consensus splice site. This variant has not been reported in the literature in individuals affected with POLE-related conditions. This variant is not present in population databases (gnomAD no frequency). This sequence change affects a donor splice site in intron 11 of the POLE gene. It is expected to disrupt RNA splicing. Variants that disrupt the donor or acceptor splice site typically lead to a loss of protein function (PMID: 16199547), and loss-of-function variants in POLE are known to be pathogenic (PMID: 23230001, 25948378, 30503519).

Literature cited by the submitters: PubMed 16199547; PubMed 23230001; PubMed 25948378; PubMed 30503519.